The following is an entry in ClinVar:

ClinVar aggregate classification (germline): Likely pathogenic (0 of 4 stars; one submission).

Conditions:
Charcot-Marie-Tooth disease axonal type 2P. Also called: Charcot-Marie-Tooth Neuropathy Type 2G; CHARCOT-MARIE-TOOTH DISEASE, AXONAL, TYPE 2G; CMT 2G; CHARCOT-MARIE-TOOTH NEUROPATHY, TYPE 2P. Identifiers: Orphanet 300319, Orphanet 99941, MedGen C3280797, MONDO:0013753, OMIM 614436.

Submission:

Service de genetique medicale, Pr. Levy, Hopital de La Timone Enfants, APHM
Classification: Likely pathogenic for Charcot-Marie-Tooth disease axonal type 2P. Last evaluated: 2018-11-07. Review status: no assertion criteria provided. Collection method: clinical testing. Allele origin: unknown. Inheritance: Autosomal dominant inheritance. Affected: yes. Observed: 1 heterozygote.
Comment: Heterozygote pathogenic variant has been described in LRSAM1 gene disrupting the RING domain (Zhao et al. 2018, DOI 10.1111/jns.12247); review of all reported pathogenic variant and the phenotype are consistent. The deletion variant involving entire exon 25 has not been reported currently, and this exon codes for RING domain of the protein.

NC_000009.11:g.(130264298_130265053)_(130265271_?)del

Gene: LRSAM1 (leucine rich repeat and sterile alpha motif containing 1; plus strand). Cytogenetic location: 9q34.11.
Variant type: Deletion.
Identifiers: ClinVar variation 598943 (VCV000598943.3).